The following is an entry in ClinVar:

NM_017777.4(MKS1):c.241C>T (p.Gln81Ter)

Gene: MKS1 (MKS transition zone complex subunit 1; minus strand). Cytogenetic location: 17q22.
Variant type: single nucleotide variant.
Coding change: c.241C>T on transcript NM_017777.4 (MANE Select); coding-DNA position 241, C replaced by T.
Protein change: p.Gln81Ter; replaces glutamine 81 with a stop codon.
Molecular consequence: nonsense. On other transcripts: 5 prime UTR variant (1).
Genome position (GRCh38, 1-based): chr17:58,216,686, G>A on the plus strand (C>T on the coding strand, the complement: MKS1 is on the minus strand). VCF-style: chr17-58216686-G-A. GRCh37 (hg19) VCF-style: chr17-56294047-G-A.
Other names: c.-271C>T (NM_001321268.2); c.241C>T, p.Gln81Ter (NM_001321269.2, NM_001330397.2, NM_001411113.1); short protein forms Q81*.
Identifiers: ClinVar variation 1724504 (VCV001724504.3), dbSNP rs2509457459, ClinGen allele CA400327733.

ClinVar aggregate classification (germline): Likely pathogenic (1 of 4 stars; one submission).

Conditions:
Ciliopathy. Also called: Ciliopathies. Identifiers: Orphanet 363250, MedGen C4277690, MONDO:0005308, MeSH D000072661.

Submission:

Myriad Genetics, Inc.
Classification: Likely pathogenic for Ciliopathy. Last evaluated: 2022-02-17. Review status: criteria provided, single submitter. Criteria: Myriad Autosomal Dominant, Autosomal Recessive and X-Linked Classification Criteria (2023). Collection method: clinical testing. Allele origin: unknown.
Comment: NM_017777.3(MKS1):c.241C>T(Q81*) is expected to be pathogenic in the context of MKS1-related disorders. This variant is predicted to lead to an abnormal or absent protein product due to the creation of a premature termination codon in MKS1, a gene where loss-of-function variants are known to be pathogenic. Please note: this variant was assessed in the context of healthy population screening.